The following is an entry in ClinVar:

ClinVar aggregate classification (germline): Likely pathogenic. Review status: criteria provided, multiple submitters, no conflicts (2 of 4 stars). 3 submissions from 3 submitters: Likely pathogenic (3). Last evaluated 2025-08-19.

Conditions:
Mucopolysaccharidosis, MPS-III-A (MPS3A). Also called: Mucopolysaccharidosis type IIIA (Sanfilippo A); HEPARAN SULFATE SULFATASE DEFICIENCY; SANFILIPPO SYNDROME A; SULFAMIDASE DEFICIENCY; MPS III A; MUCOPOLYSACCHARIDOSIS, TYPE IIIA, ATTENUATED. Identifiers: Orphanet 581, Orphanet 79269, MedGen C0086647, MONDO:0009655, OMIM 252900.

Submissions (3):

Variantyx, Inc.
Classification: Likely pathogenic for Mucopolysaccharidosis, MPS-III-A. Last evaluated: 2025-08-19. Review status: criteria provided, single submitter. Criteria: Variantyx Assertion Criteria 2022. Collection method: clinical testing. Allele origin: germline. Inheritance: Autosomal recessive inheritance. Affected: yes.
Comment: This is a nonsynonymous variant in the SGSH gene (OMIM: 605270). Pathogenic variants in this gene have been associated with autosomal recessive mucopolysaccharidosis type IIIA (PMID:33105639). The clinical symptoms reported for this individual are highly specific for autosomal recessive mucopolysaccharidosis type IIIA, which has a limited genetic etiology (PP4). Multiple computational algorithms predict a deleterious effect for this variant (REVEL score: 0.977) (PP3). This variant is absent from control populations (PM2). Based on the current evidence, this variant is classified as likely pathogenic for autosomal recessive mucopolysaccharidosis type IIIA.

Labcorp Genetics (formerly Invitae), Labcorp
Classification: Likely pathogenic for Mucopolysaccharidosis, MPS-III-A. Last evaluated: 2022-09-06. Review status: criteria provided, single submitter. Criteria: Invitae Variant Classification Sherloc (09022015). Collection method: clinical testing. Allele origin: germline.
Comment: In summary, the currently available evidence indicates that the variant is pathogenic, but additional data are needed to prove that conclusively. Therefore, this variant has been classified as Likely Pathogenic. Advanced modeling of protein sequence and biophysical properties (such as structural, functional, and spatial information, amino acid conservation, physicochemical variation, residue mobility, and thermodynamic stability) performed at Invitae indicates that this missense variant is expected to disrupt SGSH protein function. This missense change has been observed in individual(s) with clinical features of mucopolysaccharidosis type III (Invitae). In at least one individual the data is consistent with being in trans (on the opposite chromosome) from a pathogenic variant. This variant is not present in population databases (gnomAD no frequency). This sequence change replaces alanine, which is neutral and non-polar, with aspartic acid, which is acidic and polar, at codon 63 of the SGSH protein (p.Ala63Asp).

Centre of Medical Genetics, University Hospital Muenster
Classification: Likely pathogenic. Last evaluated: 2021-05-11. Review status: criteria provided, single submitter. Criteria: ACMG Guidelines, 2015. Collection method: clinical testing. Allele origin: unknown. Affected: yes. Observed: 1 variant allele, 1 heterozygote.
Comment: ACMG categories: PM1,PM2,PM3,PP3,PP4

Literature cited by the submitters: PubMed 33105639 (cited by Variantyx, Inc.).

NM_000199.5(SGSH):c.188C>A (p.Ala63Asp)

Gene: SGSH (N-sulfoglucosamine sulfohydrolase; minus strand). Cytogenetic location: 17q25.3.
Variant type: single nucleotide variant.
Coding change: c.188C>A on transcript NM_000199.5 (MANE Select); coding-DNA position 188, C replaced by A.
Protein change: p.Ala63Asp; replaces alanine 63 with aspartic acid.
Molecular consequence: missense variant. On other transcripts: non-coding transcript variant (1).
Genome position (GRCh38, 1-based): chr17:80,217,093, G>T on the plus strand (C>A on the coding strand, the complement: SGSH is on the minus strand). VCF-style: chr17-80217093-G-T. GRCh37 (hg19) VCF-style: chr17-78190892-G-T.
Other names: c.188C>A, p.Ala63Asp (NM_001352921.3, NM_001352922.2); short protein forms A63D.
Identifiers: ClinVar variation 1708447 (VCV001708447.9), dbSNP rs985515930, ClinGen allele CA401364307.
Genomic context (GRCh38, chr17:80,217,093, plus strand): 5'-TGGGGCAGGCCAGTGAGGAGGCTGGCGCGGCTGGGAGAGCAGCTGCTGACCGAGGTGAAG[G>T]CATTGCGAAAGAGGAGGCTGCGGCGGGCCAAGGCGTCCAGGTGCGGGGTGGCGATGGCGC-3'
Protein context (NP_000190.1, residues 53-73): LARRSLLFRN[Ala63Asp]FTSVSSCSPS